The following is an entry in ClinVar:

NM_032444.4(SLX4):c.2972A>G (p.Gln991Arg)

Gene: SLX4 (SLX4 structure-specific endonuclease subunit; minus strand). Cytogenetic location: 16p13.3.
Variant type: single nucleotide variant.
Coding change: c.2972A>G on transcript NM_032444.4 (MANE Select); coding-DNA position 2972, A replaced by G.
Protein change: p.Gln991Arg; replaces glutamine 991 with arginine.
Molecular consequence: missense variant.
Genome position (GRCh38, 1-based): chr16:3,590,666, T>C on the plus strand (A>G on the coding strand, the complement: SLX4 is on the minus strand). VCF-style: chr16-3590666-T-C. GRCh37 (hg19) VCF-style: chr16-3640667-T-C.
Other names: short protein forms Q991R.
Identifiers: ClinVar variation 1715733 (VCV001715733.4), dbSNP rs2151124664, ClinGen allele CA394522373.

ClinVar aggregate classification (germline): Uncertain significance (1 of 4 stars; one submission).

Conditions:
Fanconi anemia (FA). Also called: Fanconi's anemia. Identifiers: Orphanet 84, MedGen C0015625, MeSH D005199, MONDO:0019391.

Submission:

Labcorp Genetics (formerly Invitae), Labcorp
Classification: Uncertain significance for Fanconi anemia. Last evaluated: 2022-07-16. Review status: criteria provided, single submitter. Criteria: Invitae Variant Classification Sherloc (09022015). Collection method: clinical testing. Allele origin: germline.
Comment: This sequence change replaces glutamine, which is neutral and polar, with arginine, which is basic and polar, at codon 991 of the SLX4 protein (p.Gln991Arg). This variant is not present in population databases (gnomAD no frequency). This variant has not been reported in the literature in individuals affected with SLX4-related conditions. Algorithms developed to predict the effect of missense changes on protein structure and function output the following: SIFT: "Tolerated"; PolyPhen-2: "Benign"; Align-GVGD: "Class C0". The arginine amino acid residue is found in multiple mammalian species, which suggests that this missense change does not adversely affect protein function. In summary, the available evidence is currently insufficient to determine the role of this variant in disease. Therefore, it has been classified as a Variant of Uncertain Significance.